The following is an entry in ClinVar:

NM_007294.4(BRCA1):c.4531C>G (p.His1511Asp)

Gene: BRCA1 (BRCA1 DNA repair associated; minus strand). Cytogenetic location: 17q21.31.
Variant type: single nucleotide variant.
Coding change: c.4531C>G on transcript NM_007294.4 (MANE Select); coding-DNA position 4531, C replaced by G.
Protein change: p.His1511Asp; replaces histidine 1511 with aspartic acid.
Molecular consequence: missense variant. On other transcripts: intron variant (3).
Genome position (GRCh38, 1-based): chr17:43,074,475, G>C on the plus strand (C>G on the coding strand, the complement: BRCA1 is on the minus strand). VCF-style: chr17-43074475-G-C. GRCh37 (hg19) VCF-style: chr17-41226492-G-C.
Other names: c.4594C>G, p.His1532Asp (NM_007300.4, NM_001407583.1, NM_001407585.1 and 1 more transcripts); c.4405C>G, p.His1469Asp (NM_001407676.1, NM_001407677.1, NM_001407678.1 and 11 more transcripts); c.1219C>G, p.His407Asp (NM_007304.2, NM_001408472.1, NM_007298.4 and 13 more transcripts); c.836-3237C>G (NM_001408513.1); c.4214-3237C>G (NM_001407964.1); c.838+7929C>G (NM_001408514.1); c.4402C>G, p.His1468Asp (NM_001407682.1, NM_001407683.1, NM_001407681.1 and 6 more transcripts); c.1081C>G, p.His361Asp (NM_001408452.1, NM_001408453.1, NM_001408454.1 and 3 more transcripts); and 71 more; short protein forms H1342D, H1400D, H1423D, H1483D, H1491D, H1507D, H1533D, H298D.
Identifiers: ClinVar variation 2450663 (VCV002450663.2), dbSNP rs2154019243, ClinGen allele CA10592457.

ClinVar aggregate classification (germline): Uncertain significance (1 of 4 stars; one submission).

Conditions:
Hereditary cancer-predisposing syndrome. Also called: Neoplastic Syndromes, Hereditary; Tumor predisposition; Hereditary neoplastic syndrome; Hereditary Cancer Syndrome. Identifiers: Orphanet 140162, MedGen C0027672, MeSH D009386, MONDO:0015356.

Submission:

Ambry Genetics
Classification: Uncertain significance for Hereditary cancer-predisposing syndrome. Last evaluated: 2022-11-17. Review status: criteria provided, single submitter. Criteria: Ambry Variant Classification Scheme 2023. Collection method: clinical testing. Allele origin: germline.
Comment: The p.H1511D variant (also known as c.4531C>G), located in coding exon 13 of the BRCA1 gene, results from a C to G substitution at nucleotide position 4531. The histidine at codon 1511 is replaced by aspartic acid, an amino acid with similar properties. This amino acid position is conserved. In addition, the in silico prediction for this alteration is inconclusive. Since supporting evidence is limited at this time, the clinical significance of this alteration remains unclear.